The following is an entry in ClinVar:

ClinVar aggregate classification (germline): Uncertain significance (1 of 4 stars; one submission).

Submission:

Ambry Genetics
Classification: Uncertain significance. Last evaluated: 2024-11-25. Review status: criteria provided, single submitter. Criteria: Ambry Variant Classification Scheme 2023. Collection method: clinical testing. Allele origin: germline.
Comment: The p.S76T variant (also known as c.227G>C), located in coding exon 1 of the MLH3 gene, results from a G to C substitution at nucleotide position 227. The serine at codon 76 is replaced by threonine, an amino acid with similar properties. This amino acid position is conserved. In addition, this alteration is predicted to be deleterious by in silico analysis. Based on the available evidence, the clinical significance of this variant remains unclear.

NM_001040108.2(MLH3):c.227G>C (p.Ser76Thr)

Gene: MLH3 (mutL homolog 3; minus strand). Cytogenetic location: 14q24.3.
Variant type: single nucleotide variant.
Coding change: c.227G>C on transcript NM_001040108.2 (MANE Select); coding-DNA position 227, G replaced by C.
Protein change: p.Ser76Thr; replaces serine 76 with threonine.
Molecular consequence: missense variant.
Genome position (GRCh38, 1-based): chr14:75,049,429, C>G on the plus strand (G>C on the coding strand, the complement: MLH3 is on the minus strand). VCF-style: chr14-75049429-C-G. GRCh37 (hg19) VCF-style: chr14-75516132-C-G.
Other names: c.227G>C, p.Ser76Thr (NM_014381.3); short protein forms S76T.
Identifiers: ClinVar variation 3396779 (VCV003396779.1).
Genomic context (GRCh38, chr14:75,049,429, plus strand): 5'-GCCTCTCCTCGGAAACCATAAAACCTTGGATTCTCCAAGTCCTGTACCGAGTGGCATTTA[C>G]TGGTGAAATAACGATTTCCCACTTTCTCTACATCATCACTCCCCATCCCAAATCCATTGT-3'
Protein context (NP_001035197.1, residues 66-86): VEKVGNRYFT[Ser76Thr]KCHSVQDLEN